The following is an entry in ClinVar:

NM_006206.6(PDGFRA):c.3178A>G (p.Ile1060Val)

Gene: PDGFRA (platelet derived growth factor receptor alpha; plus strand). Cytogenetic location: 4q12.
Variant type: single nucleotide variant.
Coding change: c.3178A>G on transcript NM_006206.6 (MANE Select); coding-DNA position 3178, A replaced by G.
Protein change: p.Ile1060Val; replaces isoleucine 1060 with valine.
Molecular consequence: missense variant.
Genome position (GRCh38, 1-based): chr4:54,295,180, A>G. VCF-style: chr4-54295180-A-G. GRCh37 (hg19) VCF-style: chr4-55161347-A-G.
Other names: c.3253A>G, p.Ile1085Val (NM_001347828.2); c.3178A>G, p.Ile1060Val (NM_001347829.2); c.3217A>G, p.Ile1073Val (NM_001347830.2); short protein forms I1060V, I1073V, I1085V.
Identifiers: ClinVar variation 3225304 (VCV003225304.1), dbSNP rs2475578859, ClinGen allele CA356896562.

ClinVar aggregate classification (germline): Uncertain significance (1 of 4 stars; one submission).

Conditions:
Hereditary cancer-predisposing syndrome. Also called: Neoplastic Syndromes, Hereditary; Tumor predisposition; Hereditary neoplastic syndrome; Hereditary Cancer Syndrome. Identifiers: Orphanet 140162, MedGen C0027672, MeSH D009386, MONDO:0015356.

Submission:

Ambry Genetics
Classification: Uncertain significance for Hereditary cancer-predisposing syndrome. Last evaluated: 2024-03-09. Review status: criteria provided, single submitter. Criteria: Ambry Variant Classification Scheme 2023. Collection method: clinical testing. Allele origin: germline.
Comment: The p.I1060V variant (also known as c.3178A>G), located in coding exon 22 of the PDGFRA gene, results from an A to G substitution at nucleotide position 3178. The isoleucine at codon 1060 is replaced by valine, an amino acid with highly similar properties. This amino acid position is conserved. In addition, this alteration is predicted to be tolerated by in silico analysis. Based on the available evidence, the clinical significance of this alteration remains unclear.